The following is an entry in ClinVar:

ClinVar aggregate classification (germline): Likely benign (1 of 4 stars; one submission).

Submission:

CeGaT Center for Human Genetics Tuebingen
Classification: Likely benign. Last evaluated: 2026-07-01. Review status: criteria provided, single submitter. Criteria: CeGaT Center For Human Genetics Tuebingen Variant Classification Criteria Version 2. Collection method: clinical testing. Allele origin: germline. Affected: yes. Observed: 2 variant alleles.
Comment: OR5M3: BP4, BP7

NM_001004742.3(OR5M3):c.382C>T (p.Leu128=)

Gene: OR5M3 (olfactory receptor family 5 subfamily M member 3; minus strand). Cytogenetic location: 11q12.1.
Variant type: single nucleotide variant.
Coding change: c.382C>T on transcript NM_001004742.3 (MANE Select); coding-DNA position 382, C replaced by T.
Protein change: p.Leu128=; no amino-acid change (leucine 128 retained).
Molecular consequence: synonymous variant.
Genome position (GRCh38, 1-based): chr11:56,470,116, G>A on the plus strand (C>T on the coding strand, the complement: OR5M3 is on the minus strand). VCF-style: chr11-56470116-G-A. GRCh37 (hg19) VCF-style: chr11-56237592-G-A.
Identifiers: ClinVar variation 4084352 (VCV004084352.8).